The following is an entry in ClinVar:

NM_001038603.3(MARVELD2):c.839G>A (p.Arg280Gln)

Gene: MARVELD2 (MARVEL domain containing 2; plus strand). Cytogenetic location: 5q13.2.
Variant type: single nucleotide variant.
Coding change: c.839G>A on transcript NM_001038603.3 (MANE Select); coding-DNA position 839, G replaced by A.
Protein change: p.Arg280Gln; replaces arginine 280 with glutamine.
Molecular consequence: missense variant.
Genome position (GRCh38, 1-based): chr5:69,420,224, G>A. VCF-style: chr5-69420224-G-A. GRCh37 (hg19) VCF-style: chr5-68716051-G-A.
Other names: c.839G>A, p.Arg280Gln (NM_001244734.2); short protein forms R280Q.
Identifiers: ClinVar variation 3572584 (VCV003572584.1).

ClinVar aggregate classification (germline): Uncertain significance (1 of 4 stars; one submission).

gnomAD v4.1: 50 of 1,614,068 alleles (0.0031%); highest among the groups gnomAD compares: South Asian, 0.043%; no homozygotes.

Submission:

GeneDx
Classification: Uncertain significance. Last evaluated: 2024-07-09. Review status: criteria provided, single submitter. Criteria: GeneDx Variant Classification Process June 2021. Collection method: clinical testing. Allele origin: germline. Affected: yes.
Comment: In silico analysis indicates that this missense variant does not alter protein structure/function; Has not been previously published as pathogenic or benign to our knowledge